The following is an entry in ClinVar:

ClinVar aggregate classification (germline): Uncertain significance. Review status: criteria provided, multiple submitters, no conflicts (2 of 4 stars). 2 submissions from 2 submitters: Uncertain significance (2). Last evaluated 2025-04-20.

Allele frequency attached by ClinVar (database versions not stated): gnomAD 0.00001; TOPMed 0.00002; ExAC 0.00004; ESP Exome Variant Server 0.00008.
gnomAD v4.1: 51 of 1,612,432 alleles (0.0032%); highest among the groups gnomAD compares: Non-Finnish European, 0.0041%; no homozygotes.

Submissions (2):

Ambry Genetics
Classification: Uncertain significance. Last evaluated: 2025-04-20. Review status: criteria provided, single submitter. Criteria: Ambry Variant Classification Scheme 2023. Collection method: clinical testing. Allele origin: germline.

Labcorp Genetics (formerly Invitae), Labcorp
Classification: Uncertain significance. Last evaluated: 2023-01-20. Review status: criteria provided, single submitter. Criteria: Invitae Variant Classification Sherloc (09022015). Collection method: clinical testing. Allele origin: germline.
Comment: This variant is present in population databases (rs370169875, gnomAD 0.008%). This sequence change replaces leucine, which is neutral and non-polar, with valine, which is neutral and non-polar, at codon 217 of the MICAL1 protein (p.Leu217Val). This variant has not been reported in the literature in individuals affected with MICAL1-related conditions. Algorithms developed to predict the effect of missense changes on protein structure and function (SIFT, PolyPhen-2, Align-GVGD) all suggest that this variant is likely to be tolerated. In summary, the available evidence is currently insufficient to determine the role of this variant in disease. Therefore, it has been classified as a Variant of Uncertain Significance.

NM_022765.4(MICAL1):c.592C>G (p.Leu198Val)

Gene: MICAL1 (microtubule associated monooxygenase, calponin and LIM domain containing 1; minus strand). Cytogenetic location: 6q21.
Variant type: single nucleotide variant.
Coding change: c.592C>G on transcript NM_022765.4 (MANE Select); coding-DNA position 592, C replaced by G.
Protein change: p.Leu198Val; replaces leucine 198 with valine.
Molecular consequence: missense variant.
Genome position (GRCh38, 1-based): chr6:109,452,595, G>C on the plus strand (C>G on the coding strand, the complement: MICAL1 is on the minus strand). VCF-style: chr6-109452595-G-C. GRCh37 (hg19) VCF-style: chr6-109773798-G-C.
Other names: c.592C>G, p.Leu198Val (NM_001159291.2); c.649C>G, p.Leu217Val (NM_001286613.2); c.592C>G (NM_022765.3); short protein forms L198V, L217V.
Identifiers: ClinVar variation 1970388 (VCV001970388.6), dbSNP rs370169875, ClinGen allele CA3953702.
Genomic context (GRCh38, chr6:109,452,595, plus strand): 5'-CAGCCGAGATAAGGACGTCAAATTCATAGTTGGCCAGCTGGGCAGGGGGGTTGGGTTGGA[G>C]CTGGGCACGCCAGCCACTCCCTAGGGCAGGGGGTATGAGAGGCACAAAGGTGTAGAAGTC-3'
Protein context (NP_073602.3, residues 188-208): PRKGSGWRAQ[Leu198Val]QPNPPAQLAN